The following is an entry in ClinVar:

ClinVar aggregate classification (germline): Uncertain significance (1 of 4 stars; one submission).

Submission:

GeneDx
Classification: Uncertain significance. Last evaluated: 2024-02-27. Review status: criteria provided, single submitter. Criteria: GeneDx Variant Classification Process June 2021. Collection method: clinical testing. Allele origin: germline. Affected: yes.
Comment: Not observed at significant frequency in large population cohorts (gnomAD); In silico analysis supports that this missense variant has a deleterious effect on protein structure/function; Has not been previously published as pathogenic or benign to our knowledge

NM_002107.7(H3-3A):c.255C>A (p.Phe85Leu)

Gene: H3-3A (H3.3 histone A; plus strand). Cytogenetic location: 1q42.12.
Variant type: single nucleotide variant.
Coding change: c.255C>A on transcript NM_002107.7 (MANE Select); coding-DNA position 255, C replaced by A.
Protein change: p.Phe85Leu; replaces phenylalanine 85 with leucine.
Molecular consequence: missense variant.
Genome position (GRCh38, 1-based): chr1:226,065,782, C>A. VCF-style: chr1-226065782-C-A. GRCh37 (hg19) VCF-style: chr1-226253483-C-A.
Other names: c.255C>A, p.Phe85Leu (NM_001379043.1, NM_001379045.1, NM_001379046.1 and 1 more transcripts); short protein forms F85L.
Identifiers: ClinVar variation 3373122 (VCV003373122.1).